The following is an entry in ClinVar:

ClinVar aggregate classification (germline): Likely benign. Review status: criteria provided, single submitter (1 of 4 stars). 2 submissions from 2 submitters: Likely benign (1). 1 of the submissions does not count toward it. Last evaluated 2025-07-13.

Conditions:
Alpha-1-antitrypsin deficiency (A1ATD). Also called: AAT deficiency; A1AT deficiency; Alpha1-Antitrypsin Deficiency. Identifiers: Orphanet 60, MedGen C0221757, MONDO:0013282, OMIM 613490.
SERPINA1-related disorder. Also called: SerpinA1-related disorders; SERPINA1-related condition.

Allele frequency attached by ClinVar (database versions not stated): TOPMed 0.00004; ExAC 0.00005; gnomAD 0.00005; gnomAD exomes 0.00006 and 0.00009; 1000 Genomes Project 30x 0.00016; 1000 Genomes Project 0.00020.
gnomAD v4.1: 143 of 1,614,208 alleles (0.0089%); highest among the groups gnomAD compares: East Asian, 0.031%; 1 homozygote.

Submissions (2):

Labcorp Genetics (formerly Invitae), Labcorp
Classification: Likely benign for Alpha-1-antitrypsin deficiency. Last evaluated: 2025-07-13. Review status: criteria provided, single submitter. Criteria: Invitae Variant Classification Sherloc (09022015). Collection method: clinical testing. Allele origin: germline.

PreventionGenetics, part of Exact Sciences
Classification: Likely benign for SERPINA1-related condition. Last evaluated: 2024-06-06. Review status: no assertion criteria provided. Collection method: clinical testing. Allele origin: germline. Not counted in ClinVar's aggregate classification.
Comment: This variant is classified as likely benign based on ACMG/AMP sequence variant interpretation guidelines (Richards et al. 2015 PMID: 25741868, with internal and published modifications).

NM_000295.5(SERPINA1):c.513C>T (p.Phe171=)

Gene: SERPINA1 (serpin family A member 1; minus strand). Cytogenetic location: 14q32.13.
Variant type: single nucleotide variant.
Coding change: c.513C>T on transcript NM_000295.5 (MANE Select); coding-DNA position 513, C replaced by T.
Protein change: p.Phe171=; no amino-acid change (phenylalanine 171 retained).
Molecular consequence: synonymous variant.
Genome position (GRCh38, 1-based): chr14:94,382,725, G>A on the plus strand (C>T on the coding strand, the complement: SERPINA1 is on the minus strand). VCF-style: chr14-94382725-G-A. GRCh37 (hg19) VCF-style: chr14-94849062-G-A.
Other names: c.513C>T, p.Phe171= (NM_001002235.3, NM_001002236.3, NM_001127700.2 and 7 more transcripts).
Identifiers: ClinVar variation 699681 (VCV000699681.12), dbSNP rs190838132, ClinGen allele CA7327481.